The following is an entry in ClinVar:

ClinVar aggregate classification (germline): Uncertain significance (1 of 4 stars; one submission).

Allele frequency attached by ClinVar (database versions not stated): gnomAD exomes below 0.00001; TOPMed below 0.00001.

Submission:

Labcorp Genetics (formerly Invitae), Labcorp
Classification: Uncertain significance. Last evaluated: 2024-03-04. Review status: criteria provided, single submitter. Criteria: Invitae Variant Classification Sherloc (09022015). Collection method: clinical testing. Allele origin: germline.
Comment: This sequence change replaces valine, which is neutral and non-polar, with isoleucine, which is neutral and non-polar, at codon 228 of the EXTL3 protein (p.Val228Ile). This variant is present in population databases (no rsID available, gnomAD 0.003%). This variant has not been reported in the literature in individuals affected with EXTL3-related conditions. ClinVar contains an entry for this variant (Variation ID: 1967750). Advanced modeling of protein sequence and biophysical properties (such as structural, functional, and spatial information, amino acid conservation, physicochemical variation, residue mobility, and thermodynamic stability) performed at Invitae indicates that this missense variant is not expected to disrupt EXTL3 protein function with a negative predictive value of 80%. In summary, the available evidence is currently insufficient to determine the role of this variant in disease. Therefore, it has been classified as a Variant of Uncertain Significance.

NM_001440.4(EXTL3):c.682G>A (p.Val228Ile)

Gene: EXTL3 (exostosin like glycosyltransferase 3; plus strand). Cytogenetic location: 8p21.1.
Variant type: single nucleotide variant.
Coding change: c.682G>A on transcript NM_001440.4 (MANE Select); coding-DNA position 682, G replaced by A.
Protein change: p.Val228Ile; replaces valine 228 with isoleucine.
Molecular consequence: missense variant.
Genome position (GRCh38, 1-based): chr8:28,716,741, G>A. VCF-style: chr8-28716741-G-A. GRCh37 (hg19) VCF-style: chr8-28574258-G-A.
Other names: short protein forms V228I.
Identifiers: ClinVar variation 1967750 (VCV001967750.5), dbSNP rs1303671122, ClinGen allele CA370857038.